The following is an entry in ClinVar:

ClinVar aggregate classification (germline): Uncertain significance (1 of 4 stars; one submission).

Submission:

Labcorp Genetics (formerly Invitae), Labcorp
Classification: Uncertain significance. Last evaluated: 2023-02-22. Review status: criteria provided, single submitter. Criteria: Invitae Variant Classification Sherloc (09022015). Collection method: clinical testing. Allele origin: germline.
Comment: In summary, the available evidence is currently insufficient to determine the role of this variant in disease. Therefore, it has been classified as a Variant of Uncertain Significance. Advanced modeling of protein sequence and biophysical properties (such as structural, functional, and spatial information, amino acid conservation, physicochemical variation, residue mobility, and thermodynamic stability) performed at Invitae indicates that this missense variant is not expected to disrupt LONP1 protein function. This variant has not been reported in the literature in individuals affected with LONP1-related conditions. This variant is not present in population databases (gnomAD no frequency). This sequence change replaces histidine, which is basic and polar, with tyrosine, which is neutral and polar, at codon 622 of the LONP1 protein (p.His622Tyr).

NM_004793.4(LONP1):c.1864C>T (p.His622Tyr)

Gene: LONP1 (lon peptidase 1, mitochondrial; minus strand). Cytogenetic location: 19p13.3.
Variant type: single nucleotide variant.
Coding change: c.1864C>T on transcript NM_004793.4 (MANE Select); coding-DNA position 1864, C replaced by T.
Protein change: p.His622Tyr; replaces histidine 622 with tyrosine.
Molecular consequence: missense variant. On other transcripts: non-coding transcript variant (1).
Genome position (GRCh38, 1-based): chr19:5,696,281, G>A on the plus strand (C>T on the coding strand, the complement: LONP1 is on the minus strand). VCF-style: chr19-5696281-G-A. GRCh37 (hg19) VCF-style: chr19-5696292-G-A.
Other names: c.1276C>T, p.His426Tyr (NM_001276480.1); c.1672C>T, p.His558Tyr (NM_001276479.2); short protein forms H426Y, H558Y, H622Y.
Identifiers: ClinVar variation 2979424 (VCV002979424.3), dbSNP rs2512390121, ClinGen allele CA403529014.
Genomic context (GRCh38, chr19:5,696,281, plus strand): 5'-AAGCCCAGGCCCCAGACAGGCCCCCCACCTTGGACAAGTCCACGGGCACGTCCAGGTAGT[G>A]GTCCAGGAAGTTGGCATTCTGCTCTGGGTCCAGCAGCTCCAGCAGTGCCGACGACGGGTC-3'
Protein context (NP_004784.2, residues 612-632): DPEQNANFLD[His622Tyr]YLDVPVDLSK